The following is an entry in ClinVar:

ClinVar aggregate classification (germline): Uncertain significance (1 of 4 stars; one submission).

Conditions:
Osteogenesis imperfecta type 7 (OI7). Also called: OSTEOGENESIS IMPERFECTA, TYPE IIB; OI type 7; OI type VII; Osteogenesis imperfecta type 2B; OI type 2B; Osteogenesis imperfecta, perinatal lethal autosomal recessive. Identifiers: MedGen C1853162, MONDO:0012536, OMIM 610682.

Allele frequency attached by ClinVar (database versions not stated): TOPMed 0.00003; gnomAD 0.00004; gnomAD exomes 0.00005 and 0.00006; ExAC 0.00008; 1000 Genomes Project 0.00020; 1000 Genomes Project 30x 0.00031.
gnomAD v4.1: 91 of 1,610,788 alleles (0.0056%); highest among the groups gnomAD compares: Admixed American, 0.0083%; no homozygotes.

Submission:

Labcorp Genetics (formerly Invitae), Labcorp
Classification: Uncertain significance for Osteogenesis imperfecta type 7. Last evaluated: 2022-04-19. Review status: criteria provided, single submitter. Criteria: Invitae Variant Classification Sherloc (09022015). Collection method: clinical testing. Allele origin: germline.
Comment: This sequence change replaces glutamic acid, which is acidic and polar, with lysine, which is basic and polar, at codon 377 of the CRTAP protein (p.Glu377Lys). This variant is present in population databases (rs546298253, gnomAD 0.01%). This variant has not been reported in the literature in individuals affected with CRTAP-related conditions. ClinVar contains an entry for this variant (Variation ID: 939024). Algorithms developed to predict the effect of missense changes on protein structure and function (SIFT, PolyPhen-2, Align-GVGD) all suggest that this variant is likely to be tolerated. In summary, the available evidence is currently insufficient to determine the role of this variant in disease. Therefore, it has been classified as a Variant of Uncertain Significance.

NM_006371.5(CRTAP):c.1129G>A (p.Glu377Lys)

Gene: CRTAP (cartilage associated protein; plus strand). Cytogenetic location: 3p22.3.
Variant type: single nucleotide variant.
Coding change: c.1129G>A on transcript NM_006371.5 (MANE Select); coding-DNA position 1129, G replaced by A.
Protein change: p.Glu377Lys; replaces glutamic acid 377 with lysine.
Molecular consequence: missense variant.
Genome position (GRCh38, 1-based): chr3:33,134,242, G>A. VCF-style: chr3-33134242-G-A. GRCh37 (hg19) VCF-style: chr3-33175734-G-A.
Other names: short protein forms E377K.
Identifiers: ClinVar variation 939024 (VCV000939024.4), dbSNP rs546298253, ClinGen allele CA2300497.